The following is an entry in ClinVar:

NM_001710.6(CFB):c.835G>A (p.Asp279Asn)

Gene: CFB (complement factor B; plus strand). Cytogenetic location: 6p21.33.
Variant type: single nucleotide variant.
Coding change: c.835G>A on transcript NM_001710.6 (MANE Select); coding-DNA position 835, G replaced by A.
Protein change: p.Asp279Asn; replaces aspartic acid 279 with asparagine.
Molecular consequence: missense variant.
Genome position (GRCh38, 1-based): chr6:31,948,019, G>A. VCF-style: chr6-31948019-G-A. GRCh37 (hg19) VCF-style: chr6-31915796-G-A.
Other names: short protein forms D279N.
Identifiers: ClinVar variation 4976832 (VCV004976832.1).

ClinVar aggregate classification (germline): Uncertain significance (1 of 4 stars; one submission).

Conditions:
Atypical hemolytic-uremic syndrome. Identifiers: Orphanet 2134, MedGen C2931788, MONDO:0016244.

Submission:

Genomenon, Inc
Classification: Uncertain significance for Atypical hemolytic-uremic syndrome. Last evaluated: 2026-09-17. Review status: criteria provided, single submitter. Criteria: Genomenon Sequence Variant Interpretation Standards - Updated. Collection method: curation. Allele origin: germline. Affected: no.
Comment: CFB p.Asp279Asn (c.835G>A) is a missense variant that changes the amino acid at codon 279 from Aspartic acid to Asparagine. This variant has been reported in the published literature (PMID:10072540). This variant is located in a mutational hotspot and/or important functional domain. It is absent or not present at a significant frequency in gnomAD. In conclusion, we classify CFB p.Asp279Asn (c.835G>A) as a variant of uncertain significance.

Literature cited by the submitters: PubMed 10072540.